The following is an entry in ClinVar:

ClinVar aggregate classification (germline): Uncertain significance (1 of 4 stars; one submission).

Conditions:
Bardet-Biedl syndrome (BBS). Identifiers: Orphanet 110, MedGen C0752166, MONDO:0015229.

Allele frequency attached by ClinVar (database versions not stated): gnomAD exomes below 0.00001.
gnomAD v4.1: 2 of 1,613,482 alleles (0.00012%); highest among the groups gnomAD compares: Middle Eastern, 0.017%; no homozygotes.

Submission:

Labcorp Genetics (formerly Invitae), Labcorp
Classification: Uncertain significance for Bardet-Biedl syndrome. Last evaluated: 2022-05-29. Review status: criteria provided, single submitter. Criteria: Invitae Variant Classification Sherloc (09022015). Collection method: clinical testing. Allele origin: germline.
Comment: This sequence change affects codon 597 of the BBS2 mRNA. It is a 'silent' change, meaning that it does not change the encoded amino acid sequence of the BBS2 protein. This variant is not present in population databases (gnomAD no frequency). This variant has not been reported in the literature in individuals affected with BBS2-related conditions. Algorithms developed to predict the effect of sequence changes on RNA splicing suggest that this variant may create or strengthen a splice site. In summary, the available evidence is currently insufficient to determine the role of this variant in disease. Therefore, it has been classified as a Variant of Uncertain Significance.

NM_031885.5(BBS2):c.1791A>T (p.Leu597=)

Gene: BBS2 (Bardet-Biedl syndrome 2; minus strand). Cytogenetic location: 16q13.
Variant type: single nucleotide variant.
Coding change: c.1791A>T on transcript NM_031885.5 (MANE Select); coding-DNA position 1791, A replaced by T.
Protein change: p.Leu597=; no amino-acid change (leucine 597 retained).
Molecular consequence: synonymous variant. On other transcripts: non-coding transcript variant (5).
Genome position (GRCh38, 1-based): chr16:56,497,749, T>A on the plus strand (A>T on the coding strand, the complement: BBS2 is on the minus strand). VCF-style: chr16-56497749-T-A. GRCh37 (hg19) VCF-style: chr16-56531661-T-A.
Other names: c.1791A>T, p.Leu597= (NM_001377456.1).
Identifiers: ClinVar variation 2000548 (VCV002000548.4), dbSNP rs2144132339, ClinGen allele CA495586050.
Genomic context (GRCh38, chr16:56,497,749, plus strand): 5'-CAAATATTATTAGACTACCACATTCTCACAAATGCATCTACCGCATTCCCTCACCTTAAC[T>A]AGCACCTTTCGTAATTCCTCAAAATAGACAGGAAAATCCGCTTCTACTTGAAGGTCTTCA-3'
Protein context (NP_114091.4, residues 587-607): PVYFEELRKV[Leu597=]VKVDEYHSVH